The following is an entry in ClinVar:

NC_000009.11:g.(?_730031)_(894215_?)dup

Genes: DMRT1 (doublesex and mab-3 related transcription factor 1; plus strand), KANK1 (KN motif and ankyrin repeat domains 1; plus strand). Cytogenetic location: 9p24.3.
Variant type: Duplication.
Identifiers: ClinVar variation 3245349 (VCV003245349.1).

ClinVar aggregate classification (germline): Uncertain significance (1 of 4 stars; one submission).

Submission:

Labcorp Genetics (formerly Invitae), Labcorp
Classification: Uncertain significance. Last evaluated: 2023-06-14. Review status: criteria provided, single submitter. Criteria: Invitae Variant Classification Sherloc (09022015). Collection method: clinical testing. Allele origin: unknown.
Comment: In summary, the available evidence is currently insufficient to determine the role of this variant in disease. Therefore, it has been classified as a Variant of Uncertain Significance. Experimental studies and prediction algorithms are not available or were not evaluated, and the functional significance of this variant is currently unknown. This variant has not been reported in the literature in individuals affected with KANK1-related conditions. This variant results in a copy number gain of the genomic region encompassing exon(s) 4-12 of the KANK1 gene. This region includes the termination codon of the gene. This copy number gain extends beyond the assayed region for this gene and therefore may encompass additional genes. As the precise location of this event is unknown, it may be in tandem or it may be located elsewhere in the genome.